The following is an entry in ClinVar:

ClinVar aggregate classification (germline): Uncertain significance. Review status: criteria provided, single submitter (1 of 4 stars). 2 submissions from 2 submitters: Uncertain significance (1). 1 of the submissions does not count toward it. Last evaluated 2022-10-17.

Conditions:
Fanconi anemia (FA). Also called: Fanconi's anemia. Identifiers: Orphanet 84, MedGen C0015625, MeSH D005199, MONDO:0019391.
SLX4-related disorder. Also called: SLX4-related condition.

Allele frequency attached by ClinVar (database versions not stated): gnomAD exomes below 0.00001; gnomAD 0.00001.
gnomAD v4.1: 7 of 1,613,792 alleles (0.00043%); highest among the groups gnomAD compares: East Asian, 0.0022%; no homozygotes.

Submissions (2):

Labcorp Genetics (formerly Invitae), Labcorp
Classification: Uncertain significance for Fanconi anemia. Last evaluated: 2022-10-17. Review status: criteria provided, single submitter. Criteria: Invitae Variant Classification Sherloc (09022015). Collection method: clinical testing. Allele origin: germline.
Comment: This sequence change replaces glutamine, which is neutral and polar, with arginine, which is basic and polar, at codon 377 of the SLX4 protein (p.Gln377Arg). This variant is present in population databases (no rsID available, gnomAD 0.0009%). This variant has not been reported in the literature in individuals affected with SLX4-related conditions. Algorithms developed to predict the effect of missense changes on protein structure and function are either unavailable or do not agree on the potential impact of this missense change (SIFT: "Tolerated"; PolyPhen-2: "Possibly Damaging"; Align-GVGD: "Class C0"). In summary, the available evidence is currently insufficient to determine the role of this variant in disease. Therefore, it has been classified as a Variant of Uncertain Significance.

PreventionGenetics, part of Exact Sciences
Classification: Uncertain significance for SLX4-related condition. Last evaluated: 2024-08-14. Review status: no assertion criteria provided. Collection method: clinical testing. Allele origin: germline. Not counted in ClinVar's aggregate classification.
Comment: The SLX4 c.1130A>G variant is predicted to result in the amino acid substitution p.Gln377Arg. To our knowledge, this variant has not been reported in the literature. This variant is reported in 0.0018% of alleles in individuals of European (Non-Finnish) descent in gnomAD. At this time, the clinical significance of this variant is uncertain due to the absence of conclusive functional and genetic evidence.

NM_032444.4(SLX4):c.1130A>G (p.Gln377Arg)

Gene: SLX4 (SLX4 structure-specific endonuclease subunit; minus strand). Cytogenetic location: 16p13.3.
Variant type: single nucleotide variant.
Coding change: c.1130A>G on transcript NM_032444.4 (MANE Select); coding-DNA position 1130, A replaced by G.
Protein change: p.Gln377Arg; replaces glutamine 377 with arginine.
Molecular consequence: missense variant.
Genome position (GRCh38, 1-based): chr16:3,601,012, T>C on the plus strand (A>G on the coding strand, the complement: SLX4 is on the minus strand). VCF-style: chr16-3601012-T-C. GRCh37 (hg19) VCF-style: chr16-3651013-T-C.
Other names: c.1130A>G (NM_032444.3); short protein forms Q377R.
Identifiers: ClinVar variation 2080902 (VCV002080902.5), dbSNP rs1477346987, ClinGen allele CA394531377.